The following is an entry in ClinVar:

NM_006440.5(TXNRD2):c.1497A>G (p.Thr499=)

Gene: TXNRD2 (thioredoxin reductase 2; minus strand). Cytogenetic location: 22q11.21.
Variant type: single nucleotide variant.
Coding change: c.1497A>G on transcript NM_006440.5 (MANE Select); coding-DNA position 1497, A replaced by G.
Protein change: p.Thr499=; no amino-acid change (threonine 499 retained).
Molecular consequence: synonymous variant. On other transcripts: non-coding transcript variant (1).
Genome position (GRCh38, 1-based): chr22:19,877,183, T>C on the plus strand (A>G on the coding strand, the complement: TXNRD2 is on the minus strand). VCF-style: chr22-19877183-T-C. GRCh37 (hg19) VCF-style: chr22-19864706-T-C.
Other names: c.1494A>G, p.Thr498= (NM_001352300.2); c.1407A>G, p.Thr469= (NM_001352301.2); c.1209A>G, p.Thr403= (NM_001352302.2).
Identifiers: ClinVar variation 391133 (VCV000391133.5), dbSNP rs969582646, ClinGen allele CA16608114.

ClinVar aggregate classification (germline): Likely benign. Review status: criteria provided, multiple submitters, no conflicts (2 of 4 stars). 3 submissions from 3 submitters: Likely benign (3). Last evaluated 2025-05-21.

Conditions:
Primary dilated cardiomyopathy (DCM). Also called: Dilated Cardiomyopathy. Identifiers: Orphanet 217604, MedGen C0007193, MeSH D002311, MONDO:0005021, HP:0001644. Inheritance: Various modes of inheritance.
Cardiovascular phenotype. Identifiers: MedGen CN230736.

Allele frequency attached by ClinVar (database versions not stated): gnomAD exomes below 0.00001; gnomAD 0.00003 and 0.00004; TOPMed 0.00006.
gnomAD v4.1: 8 of 1,611,728 alleles (0.0005%); highest among the groups gnomAD compares: African/African-American, 0.008%; no homozygotes.

Submissions (3):

Labcorp Genetics (formerly Invitae), Labcorp
Classification: Likely benign for Primary dilated cardiomyopathy. Last evaluated: 2025-05-21. Review status: criteria provided, single submitter. Criteria: Invitae Variant Classification Sherloc (09022015). Collection method: clinical testing. Allele origin: germline.

Ambry Genetics
Classification: Likely benign for Cardiovascular phenotype. Last evaluated: 2019-09-10. Review status: criteria provided, single submitter. Criteria: Ambry Variant Classification Scheme 2023. Collection method: clinical testing. Allele origin: germline.

GeneDx
Classification: Likely benign. Last evaluated: 2016-12-01. Review status: criteria provided, single submitter. Criteria: GeneDx Variant Classification (06012015). Collection method: clinical testing. Allele origin: germline. Affected: yes.
Comment: This variant is considered likely benign or benign based on one or more of the following criteria: it is a conservative change, it occurs at a poorly conserved position in the protein, it is predicted to be benign by multiple in silico algorithms, and/or has population frequency not consistent with disease.